The following is an entry in ClinVar:

NM_198060.4(NRAP):c.4009A>G (p.Met1337Val)

Gene: NRAP (nebulin related anchoring protein; minus strand). Cytogenetic location: 10q25.3.
Variant type: single nucleotide variant.
Coding change: c.4009A>G on transcript NM_198060.4 (MANE Select); coding-DNA position 4009, A replaced by G.
Protein change: p.Met1337Val; replaces methionine 1337 with valine.
Molecular consequence: missense variant.
Genome position (GRCh38, 1-based): chr10:113,604,827, T>C on the plus strand (A>G on the coding strand, the complement: NRAP is on the minus strand). VCF-style: chr10-113604827-T-C. GRCh37 (hg19) VCF-style: chr10-115364586-T-C.
Other names: c.4009A>G, p.Met1337Val (NM_001261463.2); c.3901A>G, p.Met1301Val (NM_001322945.2); c.3904A>G, p.Met1302Val (NM_006175.5); short protein forms M1301V, M1302V, M1337V.
Identifiers: ClinVar variation 3354628 (VCV003354628.1).

ClinVar aggregate classification (germline): Uncertain significance (0 of 4 stars; one submission).

Conditions:
NRAP-related disorder. Also called: NRAP-related condition.

Submission:

PreventionGenetics, part of Exact Sciences
Classification: Uncertain significance for NRAP-related condition. Last evaluated: 2024-05-28. Review status: no assertion criteria provided. Collection method: clinical testing. Allele origin: germline.
Comment: The NRAP c.4009A>G variant is predicted to result in the amino acid substitution p.Met1337Val. To our knowledge, this variant has not been reported in the literature. This variant is reported in 0.0023% of alleles in individuals of European (Non-Finnish) descent in gnomAD. At this time, the clinical significance of this variant is uncertain due to the absence of conclusive functional and genetic evidence.